The following is an entry in ClinVar:

NM_000368.5(TSC1):c.2814-7C>T

Gene: TSC1 (TSC complex subunit 1; minus strand). Cytogenetic location: 9q34.13.
Variant type: single nucleotide variant.
Coding change: c.2814-7C>T on transcript NM_000368.5 (MANE Select); 7 bases into the intron before coding-DNA position 2814, C replaced by T.
Molecular consequence: intron variant.
Genome position (GRCh38, 1-based): chr9:132,897,352, G>A on the plus strand (C>T on the coding strand, the complement: TSC1 is on the minus strand). VCF-style: chr9-132897352-G-A. GRCh37 (hg19) VCF-style: chr9-135772739-G-A.
Other names: c.2451-7C>T (NM_001362177.2); c.2661-7C>T (NM_001162427.2); c.2811-7C>T (NM_001162426.2).
Identifiers: ClinVar variation 416644 (VCV000416644.11), dbSNP rs1060504851, ClinGen allele CA16612621.

ClinVar aggregate classification (germline): Likely benign. Review status: criteria provided, multiple submitters, no conflicts (2 of 4 stars). 2 submissions from 2 submitters: Likely benign (2). Last evaluated 2025-04-29.

Conditions:
Tuberous sclerosis 1 (TSC1). Identifiers: Orphanet 805, MedGen C1854465, MONDO:0008612, OMIM 191100.

Submissions (2):

Myriad Genetics, Inc.
Classification: Likely benign for Tuberous sclerosis 1. Last evaluated: 2025-04-29. Review status: criteria provided, single submitter. Criteria: Myriad Autosomal Dominant, Autosomal Recessive and X-Linked Classification Criteria (2023). Collection method: clinical testing. Allele origin: unknown.
Comment: This variant is considered likely benign. This variant is intronic and is not expected to impact mRNA splicing.

Labcorp Genetics (formerly Invitae), Labcorp
Classification: Likely benign for Tuberous sclerosis 1. Last evaluated: 2024-11-02. Review status: criteria provided, single submitter. Criteria: Invitae Variant Classification Sherloc (09022015). Collection method: clinical testing. Allele origin: germline.